The following is an entry in ClinVar:

ClinVar aggregate classification (germline): Uncertain significance (1 of 4 stars; one submission).

Conditions:
Birt-Hogg-Dube syndrome. Also called: Birt Hogg Dubé syndrome. Identifiers: Orphanet 122, MedGen C0346010, MONDO:0800444.

Submission:

Labcorp Genetics (formerly Invitae), Labcorp
Classification: Uncertain significance for Birt-Hogg-Dube syndrome. Last evaluated: 2024-01-04. Review status: criteria provided, single submitter. Criteria: Invitae Variant Classification Sherloc (09022015). Collection method: clinical testing. Allele origin: germline.
Comment: This sequence change replaces threonine, which is neutral and polar, with proline, which is neutral and non-polar, at codon 481 of the FLCN protein (p.Thr481Pro). This variant is not present in population databases (gnomAD no frequency). This variant has not been reported in the literature in individuals affected with FLCN-related conditions. ClinVar contains an entry for this variant (Variation ID: 863398). Advanced modeling of protein sequence and biophysical properties (such as structural, functional, and spatial information, amino acid conservation, physicochemical variation, residue mobility, and thermodynamic stability) has been performed at Invitae for this missense variant, however the output from this modeling did not meet the statistical confidence thresholds required to predict the impact of this variant on FLCN protein function. In summary, the available evidence is currently insufficient to determine the role of this variant in disease. Therefore, it has been classified as a Variant of Uncertain Significance.

NM_144997.7(FLCN):c.1441A>C (p.Thr481Pro)

Gene: FLCN (folliculin; minus strand). Cytogenetic location: 17p11.2.
Variant type: single nucleotide variant.
Coding change: c.1441A>C on transcript NM_144997.7 (MANE Select); coding-DNA position 1441, A replaced by C.
Protein change: p.Thr481Pro; replaces threonine 481 with proline.
Molecular consequence: missense variant.
Genome position (GRCh38, 1-based): chr17:17,215,082, T>G on the plus strand (A>C on the coding strand, the complement: FLCN is on the minus strand). VCF-style: chr17-17215082-T-G. GRCh37 (hg19) VCF-style: chr17-17118396-T-G.
Other names: c.1495A>C, p.Thr499Pro (NM_001353229.2); c.1441A>C, p.Thr481Pro (NM_001353230.2, NM_001353231.2); short protein forms T481P, T499P.
Identifiers: ClinVar variation 863398 (VCV000863398.7), dbSNP rs2046870886, ClinGen allele CA398531019.